The following is an entry in ClinVar:

NM_003072.5(SMARCA4):c.3883G>C (p.Glu1295Gln)

Gene: SMARCA4 (SWI/SNF related BAF chromatin remodeling complex subunit ATPase 4; plus strand). Cytogenetic location: 19p13.2.
Variant type: single nucleotide variant.
Coding change: c.3883G>C on transcript NM_003072.5 (MANE Select); coding-DNA position 3883, G replaced by C.
Protein change: p.Glu1295Gln; replaces glutamic acid 1295 with glutamine.
Molecular consequence: missense variant. On other transcripts: non-coding transcript variant (1).
Genome position (GRCh38, 1-based): chr19:11,034,132, G>C. VCF-style: chr19-11034132-G-C. GRCh37 (hg19) VCF-style: chr19-11144808-G-C.
Other names: c.3883G>C, p.Glu1295Gln (NM_001128844.3, NM_001128849.3, NM_001387283.1); c.3784G>C, p.Glu1262Gln (NM_001128845.2, NM_001128846.2, NM_001128847.4 and 3 more transcripts); short protein forms E1295Q, E1262Q.
Identifiers: ClinVar variation 3320702 (VCV003320702.1).
Genomic context (GRCh38, chr19:11,034,132, plus strand): 5'-CCGCCCACCCCGGCCCCTCCTCAGCGGCACTGACAGTTTGCAATCTTATAGGAGGAAGAC[G>C]AGGTGCCCGACGACGAGACCGTCAACCAGATGATCGCCCGGCACGAGGAGGAGTTTGATC-3'
Protein context (NP_003063.2, residues 1285-1305): LEEPPLKEED[Glu1295Gln]VPDDETVNQM

ClinVar aggregate classification (germline): Uncertain significance (1 of 4 stars; one submission).

Conditions:
Hereditary cancer-predisposing syndrome. Also called: Neoplastic Syndromes, Hereditary; Tumor predisposition; Hereditary neoplastic syndrome; Hereditary Cancer Syndrome. Identifiers: Orphanet 140162, MedGen C0027672, MeSH D009386, MONDO:0015356.

Submission:

Ambry Genetics
Classification: Uncertain significance for Hereditary cancer-predisposing syndrome. Last evaluated: 2024-04-05. Review status: criteria provided, single submitter. Criteria: Ambry Variant Classification Scheme 2023. Collection method: clinical testing. Allele origin: germline.
Comment: The p.E1295Q variant (also known as c.3883G>C), located in coding exon 27 of the SMARCA4 gene, results from a G to C substitution at nucleotide position 3883. The glutamic acid at codon 1295 is replaced by glutamine, an amino acid with highly similar properties. This amino acid position is highly conserved in available vertebrate species. In addition, the in silico prediction for this alteration is inconclusive. Based on the available evidence, the clinical significance of this variant remains unclear.